The following is an entry in ClinVar:

NM_022552.5(DNMT3A):c.639+7C>T

Gene: DNMT3A (DNA methyltransferase 3 alpha; minus strand). Cytogenetic location: 2p23.3.
Variant type: single nucleotide variant.
Coding change: c.639+7C>T on transcript NM_022552.5 (MANE Select); 7 bases into the intron after coding-DNA position 639, C replaced by T.
Molecular consequence: intron variant.
Genome position (GRCh38, 1-based): chr2:25,274,934, G>A on the plus strand (C>T on the coding strand, the complement: DNMT3A is on the minus strand). VCF-style: chr2-25274934-G-A. GRCh37 (hg19) VCF-style: chr2-25497803-G-A.
Other names: c.639+7C>T (NM_175629.2).
Identifiers: ClinVar variation 2716100 (VCV002716100.5), dbSNP rs756188399, ClinGen allele CA1556418.

ClinVar aggregate classification (germline): Likely benign. Review status: criteria provided, single submitter (1 of 4 stars). 2 submissions from 2 submitters: Likely benign (1). 1 of the submissions does not count toward it. Last evaluated 2024-10-03.

Conditions:
DNMT3A-related disorder. Also called: DNMT3A-related disorders; DNMT3A-related condition.
Tatton-Brown-Rahman overgrowth syndrome. Also called: Tatton-Brown-Rahman syndrome; Tall stature-intellectual disability-facial dysmorphism syndrome. Identifiers: Orphanet 404443, MedGen C4014545, MONDO:0014382, OMIM 615879.

Allele frequency attached by ClinVar (database versions not stated): gnomAD exomes below 0.00001; TOPMed 0.00001; ExAC 0.00002; gnomAD 0.00002.
gnomAD v4.1: 9 of 1,604,760 alleles (0.00056%); highest among the groups gnomAD compares: Non-Finnish European, 0.00077%; no homozygotes.

Submissions (2):

Labcorp Genetics (formerly Invitae), Labcorp
Classification: Likely benign for Tatton-Brown-Rahman overgrowth syndrome. Last evaluated: 2024-10-03. Review status: criteria provided, single submitter. Criteria: Invitae Variant Classification Sherloc (09022015). Collection method: clinical testing. Allele origin: germline.

PreventionGenetics, part of Exact Sciences
Classification: Likely benign for DNMT3A-related condition. Last evaluated: 2023-01-31. Review status: no assertion criteria provided. Collection method: clinical testing. Allele origin: germline. Not counted in ClinVar's aggregate classification.
Comment: This variant is classified as likely benign based on ACMG/AMP sequence variant interpretation guidelines (Richards et al. 2015 PMID: 25741868, with internal and published modifications).